The following is an entry in ClinVar:

NM_003611.3(OFD1):c.1649A>T (p.Gln550Leu)

Gene: OFD1 (OFD1 centriole and centriolar satellite protein; plus strand). Cytogenetic location: Xp22.2.
Variant type: single nucleotide variant.
Coding change: c.1649A>T on transcript NM_003611.3 (MANE Select); coding-DNA position 1649, A replaced by T.
Protein change: p.Gln550Leu; replaces glutamine 550 with leucine.
Molecular consequence: missense variant.
Genome position (GRCh38, 1-based): chrX:13,758,443, A>T. VCF-style: chrX-13758443-A-T. GRCh37 (hg19) VCF-style: chrX-13776562-A-T.
Other names: c.1529A>T, p.Gln510Leu (NM_001330209.2); c.1229A>T, p.Gln410Leu (NM_001330210.2); short protein forms Q410L, Q550L, Q510L.
Identifiers: ClinVar variation 1777203 (VCV001777203.5), dbSNP rs2047797164, ClinGen allele CA412343504.

ClinVar aggregate classification (germline): Uncertain significance. Review status: criteria provided, multiple submitters, no conflicts (2 of 4 stars). 3 submissions from 3 submitters: Uncertain significance (3). Last evaluated 2025-10-07.

Conditions:
Primary ciliary dyskinesia. Also called: Ciliary dyskinesia. Identifiers: Orphanet 244, MedGen C0008780, MONDO:0016575, HP:0012265.

Allele frequency attached by ClinVar (database versions not stated): gnomAD exomes below 0.00001; TOPMed below 0.00001.
gnomAD v4.1: 3 of 1,128,466 alleles (0.00027%); highest among the groups gnomAD compares: Non-Finnish European, 0.00037%; no homozygotes.

Submissions (3):

Women's Health and Genetics/Laboratory Corporation of America, LabCorp
Classification: Uncertain significance. Last evaluated: 2025-10-07. Review status: criteria provided, single submitter. Criteria: LabCorp Variant Classification Summary - May 2015. Collection method: clinical testing. Allele origin: germline.
Comment: Variant summary: OFD1 c.1649A>T (p.Gln550Leu) results in a non-conservative amino acid change in the encoded protein sequence. Algorithms developed to predict the effect of missense changes on protein structure and function all suggest that this variant is likely to be disruptive. The variant allele was found at a frequency of 2.7e-06 in 1124471 control chromosomes in the gnomAD database (v4.1 dataset), including 1 hemizyogte. The available data on variant occurrences in the general population are insufficient to allow any conclusion about variant significance. To our knowledge, no occurrence of c.1649A>T in individuals affected with OFD1-related conditions and no experimental evidence demonstrating its impact on protein function have been reported. ClinVar contains an entry for this variant (Variation ID: 1777203). Based on the evidence outlined above, the variant was classified as uncertain significance.

GeneDx
Classification: Uncertain significance. Last evaluated: 2023-01-12. Review status: criteria provided, single submitter. Criteria: GeneDx Variant Classification Process June 2021. Collection method: clinical testing. Allele origin: germline. Affected: yes.
Comment: Not observed at significant frequency in large population cohorts (gnomAD); In silico analysis supports that this missense variant has a deleterious effect on protein structure/function; Has not been previously published as pathogenic or benign to our knowledge

Ambry Genetics
Classification: Uncertain significance for Primary ciliary dyskinesia. Last evaluated: 2016-09-12. Review status: criteria provided, single submitter. Criteria: Ambry Variant Classification Scheme 2023. Collection method: clinical testing. Allele origin: germline.
Comment: The p.Q550L variant (also known as c.1649A>T), located in coding exon 15 of the OFD1 gene, results from an A to T substitution at nucleotide position 1649. The glutamine at codon 550 is replaced by leucine, an amino acid with dissimilar properties. This variant was not reported in population based cohorts in the following databases: Database of Single Nucleotide Polymorphisms (dbSNP), NHLBI Exome Sequencing Project (ESP), and 1000 Genomes Project. In the ESP, this variant was not observed in 6503 samples with coverage at this position. This amino acid position is highly conserved in available vertebrate species. In addition, this alteration is predicted to be deleterious by in silico analysis. Since supporting evidence is limited at this time, the clinical significance of this alteration remains unclear.